The following is an entry in ClinVar:

ClinVar aggregate classification (germline): Uncertain significance (1 of 4 stars; one submission).

Conditions:
Autosomal dominant limb-girdle muscular dystrophy type 1G (LGMDD3). Also called: MUSCULAR DYSTROPHY, LIMB-GIRDLE, AUTOSOMAL DOMINANT 3; Limb-girdle muscular dystrophy, type 1G. Identifiers: Orphanet 55596, MedGen C1836765, MONDO:0012193, OMIM 609115.

Allele frequency attached by ClinVar (database versions not stated): TOPMed 0.00002.

Submission:

Labcorp Genetics (formerly Invitae), Labcorp
Classification: Uncertain significance for Autosomal dominant limb-girdle muscular dystrophy type 1G. Last evaluated: 2022-11-29. Review status: criteria provided, single submitter. Criteria: Invitae Variant Classification Sherloc (09022015). Collection method: clinical testing. Allele origin: germline.
Comment: This variant is present in population databases (no rsID available, gnomAD 0.007%). In summary, the available evidence is currently insufficient to determine the role of this variant in disease. Therefore, it has been classified as a Variant of Uncertain Significance. Algorithms developed to predict the effect of missense changes on protein structure and function are either unavailable or do not agree on the potential impact of this missense change (SIFT: "Deleterious"; PolyPhen-2: "Possibly Damaging"; Align-GVGD: "Class C0"). ClinVar contains an entry for this variant (Variation ID: 854875). This variant has not been reported in the literature in individuals affected with HNRNPDL-related conditions. This sequence change replaces serine, which is neutral and polar, with cysteine, which is neutral and slightly polar, at codon 94 of the HNRNPDL protein (p.Ser94Cys).

NM_031372.4(HNRNPDL):c.281C>G (p.Ser94Cys)

Gene: HNRNPDL (heterogeneous nuclear ribonucleoprotein D like; minus strand). Cytogenetic location: 4q21.22.
Variant type: single nucleotide variant.
Coding change: c.281C>G on transcript NM_031372.4 (MANE Select); coding-DNA position 281, C replaced by G.
Protein change: p.Ser94Cys; replaces serine 94 with cysteine.
Molecular consequence: missense variant. On other transcripts: non-coding transcript variant (1).
Genome position (GRCh38, 1-based): chr4:82,429,410, G>C on the plus strand (C>G on the coding strand, the complement: HNRNPDL is on the minus strand). VCF-style: chr4-82429410-G-C. GRCh37 (hg19) VCF-style: chr4-83350563-G-C.
Other names: c.281C>G, p.Ser94Cys (NM_001207000.1); short protein forms S94C.
Identifiers: ClinVar variation 854875 (VCV000854875.10), dbSNP rs1051584744, ClinGen allele CA100599018.